The following is an entry in ClinVar:

ClinVar aggregate classification (germline): Uncertain significance. Review status: criteria provided, multiple submitters, no conflicts (2 of 4 stars). 2 submissions from 2 submitters: Uncertain significance (2). Last evaluated 2025-01-01.

Allele frequency attached by ClinVar (database versions not stated): gnomAD exomes 0.00003; gnomAD 0.00006; TOPMed 0.00006; ExAC 0.00010; 1000 Genomes Project 30x 0.00016; 1000 Genomes Project 0.00020.
gnomAD v4.1: 52 of 1,611,868 alleles (0.0032%); highest among the groups gnomAD compares: East Asian, 0.1%; no homozygotes.

Submissions (2):

CeGaT Center for Human Genetics Tuebingen
Classification: Uncertain significance. Last evaluated: 2025-01-01. Review status: criteria provided, single submitter. Criteria: CeGaT Center For Human Genetics Tuebingen Variant Classification Criteria Version 2. Collection method: clinical testing. Allele origin: germline. Affected: yes. Observed: 1 variant allele.
Comment: C7: PM2, BP4

Labcorp Genetics (formerly Invitae), Labcorp
Classification: Uncertain significance. Last evaluated: 2022-07-25. Review status: criteria provided, single submitter. Criteria: Invitae Variant Classification Sherloc (09022015). Collection method: clinical testing. Allele origin: germline.
Comment: This sequence change replaces isoleucine, which is neutral and non-polar, with threonine, which is neutral and polar, at codon 377 of the C7 protein (p.Ile377Thr). This variant is present in population databases (rs539320803, gnomAD 0.2%). This variant has not been reported in the literature in individuals affected with C7-related conditions. Algorithms developed to predict the effect of missense changes on protein structure and function (SIFT, PolyPhen-2, Align-GVGD) all suggest that this variant is likely to be tolerated. In summary, the available evidence is currently insufficient to determine the role of this variant in disease. Therefore, it has been classified as a Variant of Uncertain Significance.

NM_000587.4(C7):c.1130T>C (p.Ile377Thr)

Gene: C7 (complement C7; plus strand). Cytogenetic location: 5p13.1.
Variant type: single nucleotide variant.
Coding change: c.1130T>C on transcript NM_000587.4 (MANE Select); coding-DNA position 1130, T replaced by C.
Protein change: p.Ile377Thr; replaces isoleucine 377 with threonine.
Molecular consequence: missense variant.
Genome position (GRCh38, 1-based): chr5:40,955,423, T>C. VCF-style: chr5-40955423-T-C. GRCh37 (hg19) VCF-style: chr5-40955525-T-C.
Other names: short protein forms I377T.
Identifiers: ClinVar variation 2417699 (VCV002417699.16), dbSNP rs539320803, ClinGen allele CA3249870.